The following is an entry in ClinVar:

ClinVar aggregate classification (germline): Likely benign (0 of 4 stars; one submission).

Conditions:
GLI2-related disorder. Also called: GLI2-related disorders; GLI2-related condition.

Submission:

PreventionGenetics, part of Exact Sciences
Classification: Likely benign for GLI2-related condition. Last evaluated: 2024-01-21. Review status: no assertion criteria provided. Collection method: clinical testing. Allele origin: germline.
Comment: This variant is classified as likely benign based on ACMG/AMP sequence variant interpretation guidelines (Richards et al. 2015 PMID: 25741868, with internal and published modifications).

NM_001374353.1(GLI2):c.555C>T (p.Gly185=)

Gene: GLI2 (GLI family zinc finger 2; plus strand). Cytogenetic location: 2q14.2.
Variant type: single nucleotide variant.
Coding change: c.555C>T on transcript NM_001374353.1 (MANE Select); coding-DNA position 555, C replaced by T.
Protein change: p.Gly185=; no amino-acid change (glycine 185 retained).
Molecular consequence: synonymous variant.
Genome position (GRCh38, 1-based): chr2:120,955,342, C>T. VCF-style: chr2-120955342-C-T. GRCh37 (hg19) VCF-style: chr2-121712918-C-T.
Other names: c.555C>T, p.Gly185= (NM_001371271.1, NM_005270.5); c.180C>T, p.Gly60= (NM_001374354.1).
Identifiers: ClinVar variation 3058603 (VCV003058603.2), dbSNP rs987963536, ClinGen allele CA54414555.